The following is an entry in ClinVar:

ClinVar aggregate classification (germline): Uncertain significance (1 of 4 stars; one submission).

Conditions:
Familial thoracic aortic aneurysm and aortic dissection (TAAD). Also called: Thoracic aortic aneurysms and dissections. Identifiers: Orphanet 91387, MedGen C4707243, MONDO:0019625.

Submission:

Ambry Genetics
Classification: Uncertain significance for Familial thoracic aortic aneurysm and aortic dissection. Last evaluated: 2026-01-21. Review status: criteria provided, single submitter. Criteria: Ambry Variant Classification Scheme 2023. Collection method: clinical testing. Allele origin: germline.
Comment: The p.H405Y variant (also known as c.1213C>T), located in coding exon 2 of the SLC2A10 gene, results from a C to T substitution at nucleotide position 1213. The histidine at codon 405 is replaced by tyrosine, an amino acid with similar properties. This amino acid position is conserved. In addition, this alteration is predicted to be tolerated by in silico analysis. Based on the available evidence, the clinical significance of this variant remains unclear.

NM_030777.4(SLC2A10):c.1213C>T (p.His405Tyr)

Gene: SLC2A10 (solute carrier family 2 member 10; plus strand). Cytogenetic location: 20q13.12.
Variant type: single nucleotide variant.
Coding change: c.1213C>T on transcript NM_030777.4 (MANE Select); coding-DNA position 1213, C replaced by T.
Protein change: p.His405Tyr; replaces histidine 405 with tyrosine.
Molecular consequence: missense variant.
Genome position (GRCh38, 1-based): chr20:46,726,249, C>T. VCF-style: chr20-46726249-C-T. GRCh37 (hg19) VCF-style: chr20-45354888-C-T.
Other names: short protein forms H405Y.
Identifiers: ClinVar variation 4824140 (VCV004824140.1).
Genomic context (GRCh38, chr20:46,726,249, plus strand): 5'-GCCCCTCCTCGGCTGGCCCTGAGCTCTGCCCTCCCTGGGCCCCCTCTGCCCGCTCGGGGG[C>T]ATGCACTGCTGCGCTGGACCGCACTGCTGTGCCTGATGGTCTTTGTCAGTGCCTTCTCCT-3'
Protein context (NP_110404.1, residues 395-415): LPGPPLPARG[His405Tyr]ALLRWTALLC